The following is an entry in ClinVar:

ClinVar aggregate classification (germline): Likely benign (1 of 4 stars; one submission).

Allele frequency attached by ClinVar (database versions not stated): ExAC 0.00014; TOPMed 0.00017; gnomAD exomes 0.00026; gnomAD 0.00029.
gnomAD v4.1: 394 of 1,534,912 alleles (0.026%); highest among the groups gnomAD compares: Non-Finnish European, 0.033%; no homozygotes.

Submission:

CeGaT Center for Human Genetics Tuebingen
Classification: Likely benign. Last evaluated: 2022-12-01. Review status: criteria provided, single submitter. Criteria: CeGaT Center For Human Genetics Tuebingen Variant Classification Criteria Version 2. Collection method: clinical testing. Allele origin: germline. Affected: yes. Observed: 1 variant allele.
Comment: FSIP2: BP4, BP7

NM_173651.4(FSIP2):c.171G>T (p.Leu57=)

Genes: FSIP2 (fibrous sheath interacting protein 2; plus strand), FSIP2-AS2 (FSIP2 antisense RNA 2; minus strand). Cytogenetic location: 2q32.1.
Variant type: single nucleotide variant.
Coding change: c.171G>T on transcript NM_173651.4 (MANE Select); coding-DNA position 171, G replaced by T.
Protein change: p.Leu57=; no amino-acid change (leucine 57 retained).
Molecular consequence: synonymous variant.
Genome position (GRCh38, 1-based): chr2:185,739,417, G>T. VCF-style: chr2-185739417-G-T. GRCh37 (hg19) VCF-style: chr2-186604144-G-T.
Identifiers: ClinVar variation 1879511 (VCV001879511.29), dbSNP rs768058514, ClinGen allele CA2016420.
Genomic context (GRCh38, chr2:185,739,417, plus strand): 5'-AACCCACTTTGCAGGGGTTGGACCGGCTCAGCTACTGGACCTACCTCTCGGGGTCAAGCT[G>T]CCTGTGATCCCAGGAAGCAATGCTGTATTCTATACTACGAATTTCGGTGAAAAGGTGAAC-3'
Protein context (NP_775922.3, residues 47-67): QLLDLPLGVK[Leu57=]PVIPGSNAVF